The following is an entry in ClinVar:

NM_014956.5(CEP164):c.1399C>T (p.Leu467=)

Gene: CEP164 (centrosomal protein 164; plus strand). Cytogenetic location: 11q23.3.
Variant type: single nucleotide variant.
Coding change: c.1399C>T on transcript NM_014956.5 (MANE Select); coding-DNA position 1399, C replaced by T.
Protein change: p.Leu467=; no amino-acid change (leucine 467 retained).
Molecular consequence: synonymous variant.
Genome position (GRCh38, 1-based): chr11:117,380,695, C>T. VCF-style: chr11-117380695-C-T. GRCh37 (hg19) VCF-style: chr11-117251411-C-T.
Other names: c.1399C>T (NM_014956.4); c.1399C>T, p.Leu467= (NM_001271933.2).
Identifiers: ClinVar variation 1165493 (VCV001165493.12), dbSNP rs528252533, ClinGen allele CA6294728.

ClinVar aggregate classification (germline): Benign/Likely benign. Review status: criteria provided, multiple submitters, no conflicts (2 of 4 stars). 4 submissions from 4 submitters: Benign (1); Likely benign (2). 1 of the submissions does not count toward it. Last evaluated 2026-01-04.

Conditions:
CEP164-related disorder. Also called: CEP164-related condition.
Nephronophthisis 15 (NPHP15). Identifiers: Orphanet 3156, MedGen C3541853, MONDO:0013917, OMIM 614845.

Allele frequency attached by ClinVar (database versions not stated): gnomAD exomes 0.00003 and 0.00020; gnomAD 0.00006 and 0.00011; TOPMed 0.00011; ExAC 0.00016; 1000 Genomes Project 30x 0.00094; 1000 Genomes Project 0.00120.
gnomAD v4.1: 56 of 1,604,366 alleles (0.0035%); highest among the groups gnomAD compares: East Asian, 0.11%; 1 homozygote.

Submissions (4):

Labcorp Genetics (formerly Invitae), Labcorp
Classification: Benign for Nephronophthisis 15. Last evaluated: 2026-01-04. Review status: criteria provided, single submitter. Criteria: Invitae Variant Classification Sherloc (09022015). Collection method: clinical testing. Allele origin: germline.

Blueprint Genetics
Classification: Likely benign. Last evaluated: 2023-09-15. Review status: criteria provided, single submitter. Criteria: ACMG Guidelines, 2015. Collection method: clinical testing. Allele origin: germline.

Fulgent Genetics
Classification: Likely benign for Nephronophthisis 15. Last evaluated: 2021-12-14. Review status: criteria provided, single submitter. Criteria: ACMG Guidelines, 2015. Collection method: clinical testing. Allele origin: unknown.

PreventionGenetics, part of Exact Sciences
Classification: Likely benign for CEP164-related condition. Last evaluated: 2024-09-13. Review status: no assertion criteria provided. Collection method: clinical testing. Allele origin: germline. Not counted in ClinVar's aggregate classification.
Comment: This variant is classified as likely benign based on ACMG/AMP sequence variant interpretation guidelines (Richards et al. 2015 PMID: 25741868, with internal and published modifications).